The following is an entry in ClinVar:

ClinVar aggregate classification (germline): Conflicting classifications of pathogenicity. Review status: criteria provided, conflicting classifications (1 of 4 stars). 5 submissions from 5 submitters: Uncertain significance (1); Likely benign (3). 1 of the submissions does not count toward it. Last evaluated 2026-04-30.

Conditions:
Hepatoencephalopathy due to combined oxidative phosphorylation defect type 1. Also called: HEPATOENCEPHALOPATHY, EARLY FATAL PROGRESSIVE. Identifiers: Orphanet 137681, MedGen C1836797, MONDO:0012191, OMIM 609060.
GFM1-related disorder. Also called: GFM1-related condition.

Allele frequency attached by ClinVar (database versions not stated): ExAC 0.00015; gnomAD exomes 0.00018; gnomAD 0.00021 and 0.00023; TOPMed 0.00028; 1000 Genomes Project 0.00040; ESP Exome Variant Server 0.00046; 1000 Genomes Project 30x 0.00047.
gnomAD v4.1: 271 of 1,613,266 alleles (0.017%); highest among the groups gnomAD compares: African/African-American, 0.052%; no homozygotes.

Submissions (5):

PreventionGenetics, part of Exact Sciences
Classification: Likely benign for GFM1-related condition. Last evaluated: 2026-04-30. Review status: criteria provided, single submitter. Criteria: ACMG Guidelines, 2015. Collection method: clinical testing. Allele origin: germline.
Comment: This variant is classified as likely benign based on ACMG/AMP sequence variant interpretation guidelines (Richards et al. 2015 PMID: 25741868, with internal and published modifications).

Labcorp Genetics (formerly Invitae), Labcorp
Classification: Likely benign. Last evaluated: 2026-01-24. Review status: criteria provided, single submitter. Criteria: Invitae Variant Classification Sherloc (09022015). Collection method: clinical testing. Allele origin: germline.

Blueprint Genetics
Classification: Likely benign. Last evaluated: 2024-10-23. Review status: criteria provided, single submitter. Criteria: ACMG Guidelines, 2015. Collection method: clinical testing. Allele origin: germline.

Illumina Laboratory Services, Illumina
Classification: Uncertain significance for Hepatoencephalopathy due to combined oxidative phosphorylation defect type 1. Last evaluated: 2018-01-12. Review status: criteria provided, single submitter. Criteria: ICSL Variant Classification Criteria 13 December 2019. Collection method: clinical testing. Allele origin: germline.

Natera, Inc.
Classification: Uncertain significance for Combined oxidative phosphorylation deficiency 1. Last evaluated: 2020-01-05. Review status: no assertion criteria provided. Collection method: clinical testing. Allele origin: germline. Not counted in ClinVar's aggregate classification.

NM_024996.7(GFM1):c.1305C>G (p.Ala435=)

Gene: GFM1 (G elongation factor mitochondrial 1; plus strand). Cytogenetic location: 3q25.32.
Variant type: single nucleotide variant.
Coding change: c.1305C>G on transcript NM_024996.7 (MANE Select); coding-DNA position 1305, C replaced by G.
Protein change: p.Ala435=; no amino-acid change (alanine 435 retained).
Molecular consequence: synonymous variant. On other transcripts: non-coding transcript variant (4).
Genome position (GRCh38, 1-based): chr3:158,660,957, C>G. VCF-style: chr3-158660957-C-G. GRCh37 (hg19) VCF-style: chr3-158378746-C-G.
Other names: c.1362C>G (NM_001308164.1); c.1362C>G, p.Ala454= (NM_001308164.2); c.1305C>G, p.Ala435= (NM_001308166.2); c.1224C>G, p.Ala408= (NM_001374355.1); c.1188C>G, p.Ala396= (NM_001374356.1); c.1080C>G, p.Ala360= (NM_001374357.1); c.846C>G, p.Ala282= (NM_001374358.1); c.738C>G, p.Ala246= (NM_001374359.1, NM_001374360.1); and 1 more.
Identifiers: ClinVar variation 763069 (VCV000763069.17), dbSNP rs141368418, ClinGen allele CA2682589.